The following is an entry in ClinVar:

ClinVar aggregate classification (germline): Uncertain significance (1 of 4 stars; one submission).

Submission:

Labcorp Genetics (formerly Invitae), Labcorp
Classification: Uncertain significance. Last evaluated: 2022-07-19. Review status: criteria provided, single submitter. Criteria: Invitae Variant Classification Sherloc (09022015). Collection method: clinical testing. Allele origin: germline.
Comment: This sequence change replaces valine, which is neutral and non-polar, with phenylalanine, which is neutral and non-polar, at codon 1817 of the VCAN protein (p.Val1817Phe). This variant is not present in population databases (gnomAD no frequency). In summary, the available evidence is currently insufficient to determine the role of this variant in disease. Therefore, it has been classified as a Variant of Uncertain Significance. Algorithms developed to predict the effect of missense changes on protein structure and function output the following: SIFT: "Tolerated"; PolyPhen-2: "Benign"; Align-GVGD: "Class C0". The phenylalanine amino acid residue is found in multiple mammalian species, which suggests that this missense change does not adversely affect protein function. ClinVar contains an entry for this variant (Variation ID: 1040408). This variant has not been reported in the literature in individuals affected with VCAN-related conditions.

NM_004385.5(VCAN):c.5449G>T (p.Val1817Phe)

Genes: VCAN (versican; plus strand), VCAN-AS1 (VCAN antisense RNA 1; minus strand). Cytogenetic location: 5q14.3.
Variant type: single nucleotide variant.
Coding change: c.5449G>T on transcript NM_004385.5 (MANE Select); coding-DNA position 5449, G replaced by T.
Protein change: p.Val1817Phe; replaces valine 1817 with phenylalanine.
Molecular consequence: missense variant. On other transcripts: intron variant (2).
Genome position (GRCh38, 1-based): chr5:83,538,452, G>T. VCF-style: chr5-83538452-G-T. GRCh37 (hg19) VCF-style: chr5-82834271-G-T.
Other names: c.2488G>T, p.Val830Phe (NM_001164097.2); c.4004-7085G>T (NM_001164098.2); c.1043-7085G>T (NM_001126336.3); short protein forms V830F, V1817F.
Identifiers: ClinVar variation 1040408 (VCV001040408.10), dbSNP rs1746818888, ClinGen allele CA360310439.